The following is an entry in ClinVar:

ClinVar aggregate classification (germline): Conflicting classifications of pathogenicity. Review status: criteria provided, conflicting classifications (1 of 4 stars). 4 submissions from 4 submitters: Likely pathogenic (2); Uncertain significance (2). Last evaluated 2025-07-01.

Conditions:
Autosomal recessive polycystic kidney disease (ARPKD). Also called: AR polycystic kidney disease. Identifiers: Orphanet 731, Orphanet 8378, MedGen C0085548, MeSH D017044, MONDO:0009889.

Allele frequency attached by ClinVar (database versions not stated): gnomAD exomes below 0.00001.
gnomAD v4.1: 8 of 1,614,140 alleles (0.0005%); highest among the groups gnomAD compares: Non-Finnish European, 0.00059%; no homozygotes.

Submissions (4):

CeGaT Center for Human Genetics Tuebingen
Classification: Likely pathogenic. Last evaluated: 2025-07-01. Review status: criteria provided, single submitter. Criteria: CeGaT Center For Human Genetics Tuebingen Variant Classification Criteria Version 2. Collection method: clinical testing. Allele origin: germline. Affected: yes. Observed: 1 variant allele.
Comment: PKHD1: PM2, PM3, PM5

Blueprint Genetics
Classification: Uncertain significance. Last evaluated: 2024-05-22. Review status: criteria provided, single submitter. Criteria: ACMG Guidelines, 2015. Collection method: clinical testing. Allele origin: germline.

Women's Health and Genetics/Laboratory Corporation of America, LabCorp
Classification: Uncertain significance. Last evaluated: 2023-05-18. Review status: criteria provided, single submitter. Criteria: LabCorp Variant Classification Summary - May 2015. Collection method: clinical testing. Allele origin: germline.
Comment: Variant summary: PKHD1 c.2170C>T (p.Pro724Ser) results in a non-conservative amino acid change in the encoded protein sequence. Four of five in-silico tools predict a damaging effect of the variant on protein function. The variant was absent in 250710 control chromosomes. The available data on variant occurrences in the general population are insufficient to allow any conclusion about variant significance. c.2170C>T has been reported in the literature as a compound heterozygous genotype in at-least one individual affected with features of Polycystic Kidney And Hepatic Disease (example, Burgmaier_2021 captured in Wicher_2020). These data do not allow any conclusion about variant significance. To our knowledge, no experimental evidence demonstrating an impact on protein function has been reported. The following publications have been ascertained in the context of this evaluation (PMID: 15698423, 33940108, 33282801). One clinical diagnostic laboratory has submitted clinical-significance assessments for this variant to ClinVar after 2014 without evidence for independent evaluation and classified the variant as likely pathogenic. Based on the evidence outlined above, the variant was classified as uncertain significance.

Laboratory of Molecular Genetics, Children's Memorial Health Institute
Classification: Likely pathogenic for Polycystic kidney disease 4. Last evaluated: 2020-09-30. Review status: criteria provided, single submitter. Criteria: ACMG Guidelines, 2015. Collection method: clinical testing. Allele origin: unknown. Inheritance: Autosomal recessive inheritance. Affected: yes. Observed: 1 compound heterozygote.

Literature cited by the submitters: PubMed 15698423 (cited by Women's Health and Genetics/Laboratory Corporation of America, LabCorp); PubMed 33940108 (cited by Women's Health and Genetics/Laboratory Corporation of America, LabCorp); PubMed 33282801 (cited by Women's Health and Genetics/Laboratory Corporation of America, LabCorp).

NM_138694.4(PKHD1):c.2170C>T (p.Pro724Ser)

Gene: PKHD1 (PKHD1 ciliary IPT domain containing fibrocystin/polyductin; minus strand). Cytogenetic location: 6p12.2.
Variant type: single nucleotide variant.
Coding change: c.2170C>T on transcript NM_138694.4 (MANE Select); coding-DNA position 2170, C replaced by T.
Protein change: p.Pro724Ser; replaces proline 724 with serine.
Molecular consequence: missense variant.
Genome position (GRCh38, 1-based): chr6:52,050,266, G>A on the plus strand (C>T on the coding strand, the complement: PKHD1 is on the minus strand). VCF-style: chr6-52050266-G-A. GRCh37 (hg19) VCF-style: chr6-51915064-G-A.
Other names: c.2170C>T, p.Pro724Ser (NM_170724.3); short protein forms P724S.
Identifiers: ClinVar variation 978796 (VCV000978796.12), dbSNP rs1806602099, ClinGen allele CA364443895.
Genomic context (GRCh38, chr6:52,050,266, plus strand): 5'-TGACACTGTAGACCGGAGGGGATCCCACCACAGAGACTGATTCCACCAGATTGCCCCCTG[G>A]GCGAGCCGTTCCAGAATCAGCTTGAGAAACTAGAGACCAGTGATCCAATTACTATCAAGT-3'
Protein context (NP_619639.3, residues 714-734): VSQADSGTAR[Pro724Ser]GGNLVESVSV